The following is an entry in ClinVar:

NM_002941.4(ROBO1):c.1944A>G (p.Ile648Met)

Gene: ROBO1 (roundabout guidance receptor 1; minus strand). Cytogenetic location: 3p12.3.
Variant type: single nucleotide variant.
Coding change: c.1944A>G on transcript NM_002941.4 (MANE Select); coding-DNA position 1944, A replaced by G.
Protein change: p.Ile648Met; replaces isoleucine 648 with methionine.
Molecular consequence: missense variant.
Genome position (GRCh38, 1-based): chr3:78,667,905, T>C on the plus strand (A>G on the coding strand, the complement: ROBO1 is on the minus strand). VCF-style: chr3-78667905-T-C. GRCh37 (hg19) VCF-style: chr3-78717055-T-C.
Other names: c.1836A>G, p.Ile612Met (NM_001145844.1, NM_001145845.2, NM_133631.4); short protein forms I612M, I648M.
Identifiers: ClinVar variation 2885607 (VCV002885607.3), dbSNP rs763805957, ClinGen allele CA77561410.
Genomic context (GRCh38, chr3:78,667,905, plus strand): 5'-TAAGTAGGTGTCACAGGTTTAAGTAAATCAATATTTACCTTGTGTTTTCACTGGATCTGA[T>C]ATTTGGCTTGGATCACTAATTCCATATGCATTAGCTGCCCTCACAAGGAAAAGGTAAATT-3'
Protein context (NP_002932.1, residues 638-658): NAYGISDPSQ[Ile648Met]SDPVKTQDVL

ClinVar aggregate classification (germline): Uncertain significance (1 of 4 stars; one submission).

Allele frequency attached by ClinVar (database versions not stated): gnomAD exomes 0.00001; TOPMed 0.00001.
gnomAD v4.1: 7 of 1,613,724 alleles (0.00043%); highest among the groups gnomAD compares: Admixed American, 0.0083%; no homozygotes.

Submission:

Labcorp Genetics (formerly Invitae), Labcorp
Classification: Uncertain significance. Last evaluated: 2023-08-27. Review status: criteria provided, single submitter. Criteria: Invitae Variant Classification Sherloc (09022015). Collection method: clinical testing. Allele origin: germline.
Comment: In summary, the available evidence is currently insufficient to determine the role of this variant in disease. Therefore, it has been classified as a Variant of Uncertain Significance. Advanced modeling of protein sequence and biophysical properties (such as structural, functional, and spatial information, amino acid conservation, physicochemical variation, residue mobility, and thermodynamic stability) performed at Invitae indicates that this missense variant is not expected to disrupt ROBO1 protein function. This variant has not been reported in the literature in individuals affected with ROBO1-related conditions. This variant is present in population databases (no rsID available, gnomAD 0.01%). This sequence change replaces isoleucine, which is neutral and non-polar, with methionine, which is neutral and non-polar, at codon 648 of the ROBO1 protein (p.Ile648Met).